The following is an entry in ClinVar:

ClinVar aggregate classification (germline): Uncertain significance (0 of 4 stars; one submission).

Conditions:
Kell blood group system (KEL). Also called: BLOOD GROUP--KELL-CELLANO SYSTEM; K(0); Ko. Identifiers: MedGen C0022546, OMIM 110900.

Allele frequency attached by ClinVar (database versions not stated): ExAC 0.00002; gnomAD exomes 0.00002 and 0.00008; TOPMed 0.00003; gnomAD 0.00004.
gnomAD v4.1: 128 of 1,614,014 alleles (0.0079%); highest among the groups gnomAD compares: Non-Finnish European, 0.01%; 1 homozygote.

Submission:

Australian Red Cross Blood Service
Classification: Uncertain significance for Kell blood group system. Review status: no assertion criteria provided. Collection method: research. Allele origin: inherited. Inheritance: Codominant.
Comment: serology was negative with monoclonal anti-k and positive with polyclonal anti-k. Sample was heterozygous for KEL:1. Predict the change is altering the KEL:2 phenotype expression

NM_000420.3(KEL):c.586C>G (p.Leu196Val)

Gene: KEL (Kell metallo-endopeptidase (Kell blood group); minus strand). Cytogenetic location: 7q34.
Variant type: single nucleotide variant.
Coding change: c.586C>G on transcript NM_000420.3 (MANE Select); coding-DNA position 586, C replaced by G.
Protein change: p.Leu196Val; replaces leucine 196 with valine.
Molecular consequence: missense variant.
Genome position (GRCh38, 1-based): chr7:142,957,913, G>C on the plus strand (C>G on the coding strand, the complement: KEL is on the minus strand). VCF-style: chr7-142957913-G-C. GRCh37 (hg19) VCF-style: chr7-142655000-G-C.
Other names: short protein forms L196V.
Identifiers: ClinVar variation 1184732 (VCV001184732.2), dbSNP rs760539605, ClinGen allele CA4534544.